The following is an entry in ClinVar:

NM_004333.6(BRAF):c.1418A>G (p.Lys473Arg)

Gene: BRAF (B-Raf proto-oncogene, serine/threonine kinase; minus strand). Cytogenetic location: 7q34.
Variant type: single nucleotide variant.
Coding change: c.1418A>G on transcript NM_004333.6 (MANE Select); coding-DNA position 1418, A replaced by G.
Protein change: p.Lys473Arg; replaces lysine 473 with arginine.
Molecular consequence: missense variant.
Genome position (GRCh38, 1-based): chr7:140,781,590, T>C on the plus strand (A>G on the coding strand, the complement: BRAF is on the minus strand). VCF-style: chr7-140781590-T-C. GRCh37 (hg19) VCF-style: chr7-140481390-T-C.
Other names: c.1418A>G, p.Lys473Arg (NM_001354609.2, NM_001378468.1, NM_001378474.1); c.1538A>G, p.Lys513Arg (NM_001374244.1, NM_001374258.1); c.1427A>G, p.Lys476Arg (NM_001378467.1); c.1352A>G, p.Lys451Arg (NM_001378469.1); c.1316A>G, p.Lys439Arg (NM_001378470.1); c.1307A>G, p.Lys436Arg (NM_001378471.1); c.1262A>G, p.Lys421Arg (NM_001378472.1, NM_001378473.1); c.1154A>G, p.Lys385Arg (NM_001378475.1); short protein forms K421R, K436R, K513R, K451R, K473R, K476R, K385R, K439R.
Identifiers: ClinVar variation 1900738 (VCV001900738.5), dbSNP rs1345139126, ClinGen allele CA369588858.
Genomic context (GRCh38, chr7:140,781,590, plus strand): 5'-ATATCCTATTATGACTTGTCACAATGTCACCACATTACATACTTACCATGCCACTTTCCC[T>C]TGTAGACTGTTCCAAATGATCCAGATCCAATTCTTTGTCCCACTGTAATCTGCCCATCAG-3'
Protein context (NP_004324.2, residues 463-483): IGSGSFGTVY[Lys473Arg]GKWHGDVAVK

ClinVar aggregate classification (germline): Uncertain significance (1 of 4 stars; one submission).

Conditions:
RASopathy. Also called: Noonan spectrum disorder; rasopathies. Identifiers: Orphanet 536391, MedGen C5555857, MONDO:0021060.

Allele frequency attached by ClinVar (database versions not stated): gnomAD 0.00001.
gnomAD v4.1: 1 of 1,613,706 alleles (0.000062%); highest among the groups gnomAD compares: South Asian, 0.0011%; no homozygotes.

Submission:

Labcorp Genetics (formerly Invitae), Labcorp
Classification: Uncertain significance for RASopathy. Last evaluated: 2025-03-03. Review status: criteria provided, single submitter. Criteria: Invitae Variant Classification Sherloc (09022015). Collection method: clinical testing. Allele origin: germline.
Comment: This sequence change replaces lysine, which is basic and polar, with arginine, which is basic and polar, at codon 473 of the BRAF protein (p.Lys473Arg). This variant is present in population databases (no rsID available, gnomAD no frequency). This variant has not been reported in the literature in individuals affected with BRAF-related conditions. ClinVar contains an entry for this variant (Variation ID: 1900738). Invitae Evidence Modeling of protein sequence and biophysical properties (such as structural, functional, and spatial information, amino acid conservation, physicochemical variation, residue mobility, and thermodynamic stability) indicates that this missense variant is not expected to disrupt BRAF protein function with a negative predictive value of 80%. Experimental studies are conflicting or provide insufficient evidence to determine the effect of this variant on BRAF function (PMID: 31015455). In summary, the available evidence is currently insufficient to determine the role of this variant in disease. Therefore, it has been classified as a Variant of Uncertain Significance.

Literature cited by the submitters: PubMed 31015455.